The following is an entry in ClinVar:

ClinVar aggregate classification (germline): Likely benign. Review status: criteria provided, multiple submitters, no conflicts (2 of 4 stars). 3 submissions from 3 submitters: Likely benign (3). Last evaluated 2023-04-01.

Allele frequency attached by ClinVar (database versions not stated): 1000 Genomes Project 0.00120; 1000 Genomes Project 30x 0.00125; gnomAD exomes 0.00372 and 0.00576; gnomAD 0.00384 and 0.00446; ESP Exome Variant Server 0.00423; ExAC 0.00459; TOPMed 0.00481.

Submissions (3):

CeGaT Center for Human Genetics Tuebingen
Classification: Likely benign. Last evaluated: 2023-04-01. Review status: criteria provided, single submitter. Criteria: CeGaT Center For Human Genetics Tuebingen Variant Classification Criteria Version 2. Collection method: clinical testing. Allele origin: germline. Affected: yes. Observed: 1 variant allele.
Comment: ALDH16A1: BP4, BS2

Labcorp Genetics (formerly Invitae), Labcorp
Classification: Likely benign. Last evaluated: 2017-09-07. Review status: criteria provided, single submitter. Criteria: Invitae Variant Classification Sherloc (09022015). Collection method: clinical testing. Allele origin: germline.

Breakthrough Genomics
Classification: Likely benign. Review status: criteria provided, single submitter. Criteria: ACMG Guidelines, 2015. Collection method: not provided. Allele origin: germline. Inheritance: Unknown mechanism. Affected: yes.

NM_153329.4(ALDH16A1):c.1376A>T (p.Asp459Val)

Gene: ALDH16A1 (aldehyde dehydrogenase 16 family member A1; plus strand). Cytogenetic location: 19q13.33.
Variant type: single nucleotide variant.
Coding change: c.1376A>T on transcript NM_153329.4 (MANE Select); coding-DNA position 1376, A replaced by T.
Protein change: p.Asp459Val; replaces aspartic acid 459 with valine.
Molecular consequence: missense variant.
Genome position (GRCh38, 1-based): chr19:49,464,461, A>T. VCF-style: chr19-49464461-A-T. GRCh37 (hg19) VCF-style: chr19-49967718-A-T.
Other names: c.1223A>T, p.Asp408Val (NM_001145396.2); short protein forms D408V, D459V.
Identifiers: ClinVar variation 771038 (VCV000771038.28), dbSNP rs147203240, ClinGen allele CA9574388.